The following is an entry in ClinVar:

NM_080680.3(COL11A2):c.4304G>C (p.Gly1435Ala)

Gene: COL11A2 (collagen type XI alpha 2 chain; minus strand). Cytogenetic location: 6p21.32.
Variant type: single nucleotide variant.
Coding change: c.4304G>C on transcript NM_080680.3 (MANE Select); coding-DNA position 4304, G replaced by C.
Protein change: p.Gly1435Ala; replaces glycine 1435 with alanine.
Molecular consequence: missense variant.
Genome position (GRCh38, 1-based): chr6:33,166,754, C>G on the plus strand (G>C on the coding strand, the complement: COL11A2 is on the minus strand). VCF-style: chr6-33166754-C-G. GRCh37 (hg19) VCF-style: chr6-33134531-C-G.
Other names: c.3983G>C, p.Gly1328Ala (NM_080679.3); c.4046G>C, p.Gly1349Ala (NM_080681.3); short protein forms G1349A, G1328A, G1435A.
Identifiers: ClinVar variation 1435687 (VCV001435687.6), dbSNP rs2150522387, ClinGen allele CA363620503.

ClinVar aggregate classification (germline): Uncertain significance (1 of 4 stars; one submission).

Submission:

Labcorp Genetics (formerly Invitae), Labcorp
Classification: Uncertain significance. Last evaluated: 2022-08-16. Review status: criteria provided, single submitter. Criteria: Invitae Variant Classification Sherloc (09022015). Collection method: clinical testing. Allele origin: germline.
Comment: This variant is not present in population databases (gnomAD no frequency). This sequence change replaces glycine, which is neutral and non-polar, with alanine, which is neutral and non-polar, at codon 1435 of the COL11A2 protein (p.Gly1435Ala). This variant has not been reported in the literature in individuals affected with COL11A2-related conditions. ClinVar contains an entry for this variant (Variation ID: 1435687). Advanced modeling of protein sequence and biophysical properties (such as structural, functional, and spatial information, amino acid conservation, physicochemical variation, residue mobility, and thermodynamic stability) performed at Invitae indicates that this missense variant is expected to disrupt COL11A2 protein function. In summary, the available evidence is currently insufficient to determine the role of this variant in disease. Therefore, it has been classified as a Variant of Uncertain Significance.